The following is an entry in ClinVar:

NM_000203.5(IDUA):c.1087C>T (p.Arg363Cys)

Gene: IDUA (alpha-L-iduronidase; plus strand). Cytogenetic location: 4p16.3.
Variant type: single nucleotide variant.
Coding change: c.1087C>T on transcript NM_000203.5 (MANE Select); coding-DNA position 1087, C replaced by T.
Protein change: p.Arg363Cys; replaces arginine 363 with cysteine.
Molecular consequence: missense variant. On other transcripts: non-coding transcript variant (1).
Genome position (GRCh38, 1-based): chr4:1,002,383, C>T. VCF-style: chr4-1002383-C-T. GRCh37 (hg19) VCF-style: chr4-996171-C-T.
Other names: NM_000203.5(IDUA):c.1087C>T; p.Arg363Cys; c.691C>T, p.Arg231Cys (NM_001363576.1); c.1087C>T (NM_000203.4); short protein forms R363C, R231C.
Identifiers: ClinVar variation 557205 (VCV000557205.15), dbSNP rs750496798, ClinGen allele CA2802184.

ClinVar aggregate classification (germline): Likely pathogenic. Review status: reviewed by expert panel (3 of 4 stars). 6 submissions from 6 submitters: Likely pathogenic (1). 5 of the submissions do not count toward it. Last evaluated 2024-12-06.

Conditions:
Mucopolysaccharidosis type 1. Also called: IDUA deficiency; MPS I; Mucopolysaccharidosis Type I. Identifiers: Orphanet 579, MedGen C0023786, MONDO:0001586.
Hurler syndrome. Also called: Severe MPS I (Hurler Syndrome); Gargoylism, Hurler Syndrome; MUCOPOLYSACCHARIDOSIS TYPE IH. Identifiers: Orphanet 93473, MedGen C0086795, MONDO:0011758, OMIM 607014.

Allele frequency attached by ClinVar (database versions not stated): TOPMed below 0.00001; ExAC 0.00001; gnomAD exomes 0.00001.
gnomAD v4.1: 10 of 1,610,132 alleles (0.00062%); highest among the groups gnomAD compares: Non-Finnish European, 0.00085%; no homozygotes.

Submissions (6):

ClinGen Lysosomal Storage Disorder Variant Curation Expert Panel
Classification: Likely pathogenic for Mucopolysaccharidosis type 1. Last evaluated: 2024-12-06. Review status: reviewed by expert panel. Criteria: ClinGen LSD ACMG Specifications IDUA V1.0.0. Collection method: curation. Allele origin: germline. Inheritance: Autosomal recessive inheritance.
Comment: The NM_000203.5:c.1087C>T variant in IDUA is predicted to result in the substitution of arginine by cysteine at amino acid 363 (p.Arg363Cys). This variant alters amino acid Arg363, a residue that has been shown to be important in the active site pocket and substrate binding in IDUA, and therefore has been defined as a critical residue by the ClinGen Lysosomal Diseases VCEP (PMIDs: 23959878, 24036510) (PM1). When the variant was expressed in CHO cells, no IDUA activity was detected, and synthesis and processing was abnormal (PMID: 15300847). The computational predictor REVEL gives a score of 0.845 which is above the threshold of 0.773, evidence that correlates with impact to IDUA function at the moderate level based on the specifications of the ClinGen Lysosomal Diseases VCEP (PMID: 36413997) (PP3_Moderate). Two patients with the variant have clinical symptoms consistent with MPS1 and one has "undetectable" IDUA activity (PMID: 15300847, 32781600). One of these patients is compound heterozygous for the variant and another variant in IDUA that has been classified as pathogenic by the ClinGen LD VCEP with unconfirmed phase, c.1205G>A (p.Trp402Ter) (ClinVar Variation ID: 11908) (PMID: 32781600). The other patient is compound heterozygous for the variant and c.1804T>A (p.Phe602Ile) (PMID: 15300847). The allelic data from this patient will be used in the classification of p.Phe602Ile and is not included here to avoid circular logic (PM3_Supporting). Another variant at the same amino acid position, c.1088G>A (p.Arg363His) has been identified in an individual with MPS 1 (PMID: 21734815). This variant has not yet been classified by the ClinGen LD VCEP. There is a Clinvar entry for this variant (Variation ID: 557205). In summary, this variant meet the criteria to be classified as likely pathogenic for mucopolysaccharidosis type 1. IDUA-specific ACMG/AMP criteria applied, as specified by the ClinGen LD VCEP (Specifications Version 1.0.0): PM1, PP3_Moderate, PS3_Supporting, PP4, PM2_Supporting, PM3_Supporting. (Classification approved by the ClinGen Lysosomal Diseases Variant Curation Expert Panel on December 6, 2024)

GeneDx
Classification: Pathogenic. Last evaluated: 2026-01-25. Review status: criteria provided, single submitter. Criteria: GeneDx Variant Classification Process June 2021. Collection method: clinical testing. Allele origin: germline. Not counted in ClinVar's aggregate classification.
Comment: Published functional studies found this variant is associated with significantly reduced IDUA activity and protein expression (PMID: 15300847); In silico analysis supports that this missense variant has a deleterious effect on protein structure/function; Not observed at significant frequency in large population cohorts (gnomAD); This variant is associated with the following publications: (PMID: 24480078, 24036510, 28676128, 21734815, 15300847, 32781600)

Natera, Inc.
Classification: Likely pathogenic for Mucopolysaccharidosis type I. Last evaluated: 2025-10-30. Review status: criteria provided, single submitter. Criteria: Natera Variant Classification Schema (03/2026). Collection method: clinical testing. Allele origin: germline. Not counted in ClinVar's aggregate classification.
Comment: The c.1087C>T variant in IDUA is a missense variant predicted to cause substitution of arginine to cysteine at amino acid 363. This variant is rare in the general population with a frequency below the threshold expected for the associated phenotype(s). This variant has been observed in one or more individuals affected with the associated recessive disease, as either homozygous or compound heterozygous with a second variant (PMID: 31194252). Functional studies show that this variant may disrupt protein function (PMID: 15300847). This variant is located in a functionally critical region of the protein. Computational prediction algorithms indicate this variant is likely to affect gene or protein function. Given the available evidence, this variant is classified as Likely Pathogenic.

Labcorp Genetics (formerly Invitae), Labcorp
Classification: Likely pathogenic for Mucopolysaccharidosis type 1. Last evaluated: 2024-10-17. Review status: criteria provided, single submitter. Criteria: Invitae Variant Classification Sherloc (09022015). Collection method: clinical testing. Allele origin: germline. Not counted in ClinVar's aggregate classification.
Comment: This sequence change replaces arginine, which is basic and polar, with cysteine, which is neutral and slightly polar, at codon 363 of the IDUA protein (p.Arg363Cys). This variant is present in population databases (rs750496798, gnomAD 0.002%). This missense change has been observed in individual(s) with mucopolysaccharidosis type I (PMID: 15300847). ClinVar contains an entry for this variant (Variation ID: 557205). Invitae Evidence Modeling of protein sequence and biophysical properties (such as structural, functional, and spatial information, amino acid conservation, physicochemical variation, residue mobility, and thermodynamic stability) indicates that this missense variant is expected to disrupt IDUA protein function with a positive predictive value of 95%. Experimental studies have shown that this missense change affects IDUA function (PMID: 15300847). This variant disrupts the p.Arg363 amino acid residue in IDUA. Other variant(s) that disrupt this residue have been determined to be pathogenic (PMID: 21734815). This suggests that this residue is clinically significant, and that variants that disrupt this residue are likely to be disease-causing. In summary, the currently available evidence indicates that the variant is pathogenic, but additional data are needed to prove that conclusively. Therefore, this variant has been classified as Likely Pathogenic.

Revvity Omics, Revvity
Classification: Likely pathogenic. Last evaluated: 2023-12-27. Review status: criteria provided, single submitter. Criteria: ACMG Guidelines, 2015. Collection method: clinical testing. Allele origin: germline. Not counted in ClinVar's aggregate classification.

Counsyl
Classification: Uncertain significance for Hurler syndrome. Last evaluated: 2018-03-12. Review status: no assertion criteria provided. Collection method: clinical testing. Allele origin: unknown. Not counted in ClinVar's aggregate classification.

Literature cited by the submitters: PubMed 15300847 (cited by 4 submitters); PubMed 31194252 (cited by Natera, Inc.); PubMed 21734815 (cited by Labcorp Genetics (formerly Invitae), Labcorp); PubMed 28676128 (cited by Counsyl); PubMed 24036510 (cited by Counsyl).